The following is an entry in ClinVar:

NM_170675.5(MEIS2):c.977+2T>G

Gene: MEIS2 (Meis homeobox 2; minus strand). Cytogenetic location: 15q14.
Variant type: single nucleotide variant.
Coding change: c.977+2T>G on transcript NM_170675.5 (MANE Select); the canonical splice donor site of the intron after coding-DNA position 977, T replaced by G.
Molecular consequence: splice donor variant.
Genome position (GRCh38, 1-based): chr15:36,950,322, A>C on the plus strand (T>G on the coding strand, the complement: MEIS2 is on the minus strand). VCF-style: chr15-36950322-A-C. GRCh37 (hg19) VCF-style: chr15-37242523-A-C.
Other names: c.938+2T>G (NM_002399.4, NM_172315.3); c.977+2T>G (NM_001220482.2, NM_170676.5, NM_170674.5 and 1 more transcripts); c.713+2T>G (NM_172316.3).
Identifiers: ClinVar variation 1285573 (VCV001285573.1), dbSNP rs2141389679, ClinGen allele CA391927004.

ClinVar aggregate classification (germline): Pathogenic (1 of 4 stars; one submission).

Conditions:
Cardiac malformation, cleft lip/palate, microcephaly, and digital anomalies. Also called: CLEFT PALATE, CARDIAC DEFECTS, AND IMPAIRED INTELLECTUAL DEVELOPMENT. Identifiers: MedGen C1832950, MONDO:0010970, OMIM 600987.

Submission:

Institute of Human Genetics, University of Leipzig Medical Center
Classification: Pathogenic for Cardiac malformation, cleft lip/palate, microcephaly, and digital anomalies. Last evaluated: 2020-09-14. Review status: criteria provided, single submitter. Criteria: ACMG Guidelines, 2015. Collection method: clinical testing. Allele origin: de novo. Affected: yes.
Comment: This variant was identified as de novo (maternity and paternity confirmed).